The following is an entry in ClinVar:

ClinVar aggregate classification (germline): Uncertain significance. Review status: criteria provided, multiple submitters, no conflicts (2 of 4 stars). 2 submissions from 2 submitters: Uncertain significance (2). Last evaluated 2024-04-09.

Conditions:
Inborn genetic diseases. Identifiers: MedGen C0950123, MeSH D030342.

Allele frequency attached by ClinVar (database versions not stated): gnomAD 0.00001; TOPMed 0.00001.
gnomAD v4.1: 18 of 1,590,744 alleles (0.0011%); highest among the groups gnomAD compares: East Asian, 0.0068%; no homozygotes.

Submissions (2):

Ambry Genetics
Classification: Uncertain significance for Inborn genetic diseases. Last evaluated: 2024-04-09. Review status: criteria provided, single submitter. Criteria: Ambry Variant Classification Scheme 2023. Collection method: clinical testing. Allele origin: germline.

Labcorp Genetics (formerly Invitae), Labcorp
Classification: Uncertain significance. Last evaluated: 2022-08-16. Review status: criteria provided, single submitter. Criteria: Invitae Variant Classification Sherloc (09022015). Collection method: clinical testing. Allele origin: germline.
Comment: In summary, the available evidence is currently insufficient to determine the role of this variant in disease. Therefore, it has been classified as a Variant of Uncertain Significance. Algorithms developed to predict the effect of missense changes on protein structure and function are either unavailable or do not agree on the potential impact of this missense change (SIFT: "Tolerated"; PolyPhen-2: "Possibly Damaging"; Align-GVGD: "Class C0"). This variant has not been reported in the literature in individuals affected with AP3B2-related conditions. The frequency data for this variant in the population databases is considered unreliable, as metrics indicate poor data quality at this position in the gnomAD database. This sequence change replaces alanine, which is neutral and non-polar, with threonine, which is neutral and polar, at codon 691 of the AP3B2 protein (p.Ala691Thr).

NM_001278512.2(AP3B2):c.2128G>A (p.Ala710Thr)

Genes: AP3B2 (adaptor related protein complex 3 subunit beta 2; minus strand), CPEB1-AS1 (CPEB1 antisense RNA 1; plus strand). Cytogenetic location: 15q25.2.
Variant type: single nucleotide variant.
Coding change: c.2128G>A on transcript NM_001278512.2 (MANE Select); coding-DNA position 2128, G replaced by A.
Protein change: p.Ala710Thr; replaces alanine 710 with threonine.
Molecular consequence: missense variant.
Genome position (GRCh38, 1-based): chr15:82,664,844, C>T on the plus strand (G>A on the coding strand, the complement: AP3B2 is on the minus strand). VCF-style: chr15-82664844-C-T. GRCh37 (hg19) VCF-style: chr15-83333596-C-T.
Other names: c.1975G>A, p.Ala659Thr (NM_001278511.2); c.2071G>A, p.Ala691Thr (NM_004644.5); c.2071G>A (NM_004644.3); short protein forms A659T, A710T, A691T.
Identifiers: ClinVar variation 1960294 (VCV001960294.6), dbSNP rs765669791, ClinGen allele CA393312115.